The following is an entry in ClinVar:

NM_000179.3(MSH6):c.2897C>T (p.Thr966Ile)

Gene: MSH6 (mutS homolog 6; plus strand). Cytogenetic location: 2p16.3.
Variant type: single nucleotide variant.
Coding change: c.2897C>T on transcript NM_000179.3 (MANE Select); coding-DNA position 2897, C replaced by T.
Protein change: p.Thr966Ile; replaces threonine 966 with isoleucine.
Molecular consequence: missense variant.
Genome position (GRCh38, 1-based): chr2:47,800,880, C>T. VCF-style: chr2-47800880-C-T. GRCh37 (hg19) VCF-style: chr2-48028019-C-T.
Other names: c.2507C>T, p.Thr836Ile (NM_001281492.2); c.1991C>T, p.Thr664Ile (NM_001281493.2, NM_001281494.2); short protein forms T664I, T836I, T966I.
Identifiers: ClinVar variation 1384959 (VCV001384959.8), dbSNP rs1183568138, ClinGen allele CA346756096.

ClinVar aggregate classification (germline): Uncertain significance. Review status: criteria provided, multiple submitters, no conflicts (2 of 4 stars). 2 submissions from 2 submitters: Uncertain significance (2). Last evaluated 2022-05-17.

Conditions:
Hereditary nonpolyposis colorectal neoplasms. Identifiers: MedGen C0009405, MeSH D003123.
Hereditary cancer-predisposing syndrome. Also called: Tumor predisposition; Neoplastic Syndromes, Hereditary; Hereditary Cancer Syndrome; Hereditary neoplastic syndrome. Identifiers: Orphanet 140162, MedGen C0027672, MeSH D009386, MONDO:0015356.

Submissions (2):

Ambry Genetics
Classification: Uncertain significance for Hereditary cancer-predisposing syndrome. Last evaluated: 2022-05-17. Review status: criteria provided, single submitter. Criteria: Ambry Variant Classification Scheme 2023. Collection method: clinical testing. Allele origin: germline.
Comment: The p.T966I variant (also known as c.2897C>T), located in coding exon 4 of the MSH6 gene, results from a C to T substitution at nucleotide position 2897. The threonine at codon 966 is replaced by isoleucine, an amino acid with similar properties. This amino acid position is conserved. In addition, this alteration is predicted to be tolerated by in silico analysis. Since supporting evidence is limited at this time, the clinical significance of this alteration remains unclear.

Labcorp Genetics (formerly Invitae), Labcorp
Classification: Uncertain significance for Hereditary nonpolyposis colorectal neoplasms. Last evaluated: 2021-10-06. Review status: criteria provided, single submitter. Criteria: Invitae Variant Classification Sherloc (09022015). Collection method: clinical testing. Allele origin: germline.
Comment: This sequence change replaces threonine with isoleucine at codon 966 of the MSH6 protein (p.Thr966Ile). The threonine residue is weakly conserved and there is a moderate physicochemical difference between threonine and isoleucine. This variant is not present in population databases (ExAC no frequency). This variant has not been reported in the literature in individuals affected with MSH6-related conditions. Advanced modeling of protein sequence and biophysical properties (such as structural, functional, and spatial information, amino acid conservation, physicochemical variation, residue mobility, and thermodynamic stability) performed at Invitae indicates that this missense variant is not expected to disrupt MSH6 protein function. In summary, the available evidence is currently insufficient to determine the role of this variant in disease. Therefore, it has been classified as a Variant of Uncertain Significance.